The following is an entry in ClinVar:

NM_002907.4(RECQL):c.827_844del (p.Thr276_Phe281del)

Gene: RECQL (RecQ like helicase; minus strand). Cytogenetic location: 12p12.1.
Variant type: Deletion.
Coding change: c.827_844del on transcript NM_002907.4 (MANE Select); coding-DNA positions 827 to 844, 18 bases deleted (CTTTTACAGCTTCTTTTA).
Protein change: p.Thr276_Phe281del.
Molecular consequence: inframe deletion.
Genome position (GRCh38, 1-based): chr12:21,477,826-21,477,843, TAAAAGAAGCTGTAAAAG deleted on the plus strand (CTTTTACAGCTTCTTTTA on the coding strand, the reverse complement: RECQL is on the minus strand); deleting any 18 consecutive bases within chr12:21,477,826-21,477,848 gives the same sequence; the c. name uses the placement nearest the transcript's 3' end. VCF-style (leftmost placement, unchanged base first): chr12-21477825-TTAAAAGAAGCTGTAAAAG-T. GRCh37 (hg19) VCF-style: chr12-21630759-TTAAAAGAAGCTGTAAAAG-T.
Other names: c.827_844del, p.Thr276_Phe281del (NM_032941.3).
Identifiers: ClinVar variation 4732382 (VCV004732382.1).

ClinVar aggregate classification (germline): Uncertain significance (1 of 4 stars; one submission).

Submission:

Labcorp Genetics (formerly Invitae), Labcorp
Classification: Uncertain significance. Last evaluated: 2025-12-02. Review status: criteria provided, single submitter. Criteria: Invitae Variant Classification Sherloc (09022015). Collection method: clinical testing. Allele origin: germline.
Comment: This variant, c.827_844del, results in the deletion of 6 amino acid(s) of the RECQL protein (p.Thr276_Phe281del), but otherwise preserves the integrity of the reading frame. This variant is not present in population databases (gnomAD no frequency). This variant has not been reported in the literature in individuals affected with RECQL-related conditions. Experimental studies and prediction algorithms are not available or were not evaluated, and the functional significance of this variant is currently unknown. In summary, the available evidence is currently insufficient to determine the role of this variant in disease. Therefore, it has been classified as a Variant of Uncertain Significance.